The following is an entry in ClinVar:

ClinVar aggregate classification (germline): Uncertain significance (1 of 4 stars; one submission).

gnomAD v4.1: 1 of 1,614,150 alleles (0.000062%); highest among the groups gnomAD compares: East Asian, 0.0022%; no homozygotes.

Submission:

Ambry Genetics
Classification: Uncertain significance. Last evaluated: 2023-06-05. Review status: criteria provided, single submitter. Criteria: Ambry Variant Classification Scheme 2023. Collection method: clinical testing. Allele origin: germline.
Comment: Does not currently meet published gene-disease clinical validity criteria Based on insufficient or conflicting evidence, the clinical significance of this alteration remains unclear.

Literature cited by the submitters: PubMed 28106320.

NM_013262.4(MYLIP):c.380A>T (p.Lys127Met)

Gene: MYLIP (myosin regulatory light chain interacting protein; plus strand). Cytogenetic location: 6p22.3.
Variant type: single nucleotide variant.
Coding change: c.380A>T on transcript NM_013262.4 (MANE Select); coding-DNA position 380, A replaced by T.
Protein change: p.Lys127Met; replaces lysine 127 with methionine.
Molecular consequence: missense variant.
Genome position (GRCh38, 1-based): chr6:16,141,726, A>T. VCF-style: chr6-16141726-A-T. GRCh37 (hg19) VCF-style: chr6-16141957-A-T.
Other names: short protein forms K127M.
Identifiers: ClinVar variation 2556818 (VCV002556818.3), dbSNP rs772572152, ClinGen allele CA3644468.
Genomic context (GRCh38, chr6:16,141,726, plus strand): 5'-GCCACCTCTTGTGTTCCCCAGAGCAGGCAGTGGAACTCAGTGCCCTCCTGGCCCAGACCA[A>T]GTTTGGAGACTACAACCAGAACACTGCCAAGTATAACTATGAGGAGCTCTGTGCCAAGGA-3'
Protein context (NP_037394.2, residues 117-137): VELSALLAQT[Lys127Met]FGDYNQNTAK